The following is an entry in ClinVar:

NM_004260.4(RECQL4):c.833A>G (p.Glu278Gly)

Gene: RECQL4 (RecQ like helicase 4; minus strand). Cytogenetic location: 8q24.3.
Variant type: single nucleotide variant.
Coding change: c.833A>G on transcript NM_004260.4 (MANE Select); coding-DNA position 833, A replaced by G.
Protein change: p.Glu278Gly; replaces glutamic acid 278 with glycine.
Molecular consequence: missense variant.
Genome position (GRCh38, 1-based): chr8:144,516,286, T>C on the plus strand (A>G on the coding strand, the complement: RECQL4 is on the minus strand). VCF-style: chr8-144516286-T-C. GRCh37 (hg19) VCF-style: chr8-145741670-T-C.
Other names: c.833A>G (NM_004260.3); c.833A>G, p.Glu278Gly (NM_001413017.1, NM_001413018.1, NM_001413019.1 and 4 more transcripts); c.-239A>G (NM_001413021.1, NM_001413022.1, NM_001413023.1 and 7 more transcripts); c.704A>G, p.Glu235Gly (NM_001413025.1); c.-301A>G (NM_001413027.1, NM_001413030.1, NM_001413031.1 and 2 more transcripts); c.482A>G, p.Glu161Gly (NM_001413029.1); c.-143A>G (NM_001413034.1); c.-508A>G (NM_001413043.1); short protein forms E161G, E235G, E278G.
Identifiers: ClinVar variation 2039692 (VCV002039692.5), dbSNP rs2538088831, ClinGen allele CA372689029.

ClinVar aggregate classification (germline): Uncertain significance. Review status: criteria provided, multiple submitters, no conflicts (2 of 4 stars). 2 submissions from 2 submitters: Uncertain significance (2). Last evaluated 2026-09-08.

Conditions:
Baller-Gerold syndrome (BGS). Also called: CRANIOSYNOSTOSIS WITH RADIAL DEFECTS. Identifiers: Orphanet 1225, MedGen C0265308, MONDO:0009039, OMIM 218600.
Inborn genetic diseases. Identifiers: MedGen C0950123, MeSH D030342.

Submissions (2):

Ambry Genetics
Classification: Uncertain significance for Inborn genetic diseases. Last evaluated: 2026-09-08. Review status: criteria provided, single submitter. Criteria: Ambry Variant Classification Scheme 2023. Collection method: clinical testing. Allele origin: germline.
Comment: The p.E278G variant (also known as c.833A>G), located in coding exon 5 of the RECQL4 gene, results from an A to G substitution at nucleotide position 833. The glutamic acid at codon 278 is replaced by glycine, an amino acid with similar properties. This amino acid position is conserved. In addition, this alteration is predicted to be tolerated by in silico analysis. Based on the available evidence, the clinical significance of this variant remains unclear.

Labcorp Genetics (formerly Invitae), Labcorp
Classification: Uncertain significance for Baller-Gerold syndrome. Last evaluated: 2021-12-11. Review status: criteria provided, single submitter. Criteria: Invitae Variant Classification Sherloc (09022015). Collection method: clinical testing. Allele origin: germline.
Comment: This sequence change replaces glutamic acid, which is acidic and polar, with glycine, which is neutral and non-polar, at codon 278 of the RECQL4 protein (p.Glu278Gly). In summary, the available evidence is currently insufficient to determine the role of this variant in disease. Therefore, it has been classified as a Variant of Uncertain Significance. Experimental studies and prediction algorithms are not available or were not evaluated, and the functional significance of this variant is currently unknown. This variant has not been reported in the literature in individuals affected with RECQL4-related conditions. This variant is not present in population databases (gnomAD no frequency).